The following is an entry in ClinVar:

ClinVar aggregate classification (germline): Uncertain significance. Review status: criteria provided, multiple submitters, no conflicts (2 of 4 stars). 3 submissions from 3 submitters: Uncertain significance (3). Last evaluated 2025-10-14.

Conditions:
Hereditary cancer-predisposing syndrome. Also called: Tumor predisposition; Neoplastic Syndromes, Hereditary; Hereditary Cancer Syndrome; Hereditary neoplastic syndrome. Identifiers: Orphanet 140162, MedGen C0027672, MeSH D009386, MONDO:0015356.
Ataxia-telangiectasia syndrome (AT). Also called: Cerebello-oculocutaneous telangiectasia; Immunodeficiency with ataxia telangiectasia; ATAXIA-TELANGIECTASIA, COMPLEMENTATION GROUP A; Ataxia-telangiectasia, complementation group D; AT, COMPLEMENTATION GROUP C; ATAXIA-TELANGIECTASIA, FRESNO VARIANT. Identifiers: Orphanet 100, MedGen C0004135, MONDO:0008840, OMIM 208900.

Submissions (3):

Labcorp Genetics (formerly Invitae), Labcorp
Classification: Uncertain significance for Ataxia-telangiectasia syndrome. Last evaluated: 2025-10-14. Review status: criteria provided, single submitter. Criteria: Invitae Variant Classification Sherloc (09022015). Collection method: clinical testing. Allele origin: germline.
Comment: This sequence change replaces aspartic acid, which is acidic and polar, with glycine, which is neutral and non-polar, at codon 1103 of the ATM protein (p.Asp1103Gly). This variant is not present in population databases (gnomAD no frequency). This variant has not been reported in the literature in individuals affected with ATM-related conditions. ClinVar contains an entry for this variant (Variation ID: 479046). Invitae Evidence Modeling of protein sequence and biophysical properties (such as structural, functional, and spatial information, amino acid conservation, physicochemical variation, residue mobility, and thermodynamic stability) indicates that this missense variant is not expected to disrupt ATM protein function with a negative predictive value of 95%. In summary, the available evidence is currently insufficient to determine the role of this variant in disease. Therefore, it has been classified as a Variant of Uncertain Significance.

Ambry Genetics
Classification: Uncertain significance for Hereditary cancer-predisposing syndrome. Last evaluated: 2025-06-28. Review status: criteria provided, single submitter. Criteria: Ambry Variant Classification Scheme 2023. Collection method: clinical testing. Allele origin: germline.
Comment: The p.D1103G variant (also known as c.3308A>G), located in coding exon 22 of the ATM gene, results from an A to G substitution at nucleotide position 3308. The aspartic acid at codon 1103 is replaced by glycine, an amino acid with similar properties. This amino acid position is not well conserved in available vertebrate species. In addition, this alteration is predicted to be tolerated by in silico analysis. Since supporting evidence is limited at this time, the clinical significance of this alteration remains unclear.

Color Diagnostics, LLC DBA Color Health
Classification: Uncertain significance for Hereditary cancer-predisposing syndrome. Last evaluated: 2024-03-06. Review status: criteria provided, single submitter. Criteria: ACMG Guidelines, 2015. Collection method: clinical testing. Allele origin: germline.
Comment: This missense variant replaces aspartic acid with glycine at codon 1103 of the ATM protein. Computational prediction suggests that this variant may not impact protein structure and function (internally defined REVEL score threshold <= 0.5, PMID: 27666373). To our knowledge, functional studies have not been reported for this variant. This variant has not been reported in individuals affected with ATM-related disorders in the literature. This variant has not been identified in the general population by the Genome Aggregation Database (gnomAD). The available evidence is insufficient to determine the role of this variant in disease conclusively. Therefore, this variant is classified as a Variant of Uncertain Significance.

NM_000051.4(ATM):c.3308A>G (p.Asp1103Gly)

Gene: ATM (ATM serine/threonine kinase; plus strand). Cytogenetic location: 11q22.3.
Variant type: single nucleotide variant.
Coding change: c.3308A>G on transcript NM_000051.4 (MANE Select); coding-DNA position 3308, A replaced by G.
Protein change: p.Asp1103Gly; replaces aspartic acid 1103 with glycine.
Molecular consequence: missense variant.
Genome position (GRCh38, 1-based): chr11:108,279,514, A>G. VCF-style: chr11-108279514-A-G. GRCh37 (hg19) VCF-style: chr11-108150241-A-G.
Other names: c.3308A>G, p.Asp1103Gly (NM_001351834.2); short protein forms D1103G.
Identifiers: ClinVar variation 479046 (VCV000479046.18), dbSNP rs1555090118, ClinGen allele CA382517390.
Genomic context (GRCh38, chr11:108,279,514, plus strand): 5'-TCACTTTTTGTTTGTTTGTTTGCTTGCTTGTTTTAAGATTGTTCCAGGACACGAAGGGAG[A>G]TTCTTCCAGGTTACTGAAAGCACTTCCTTTGAAGCTTCAGCAAACAGCTTTTGAAAATGC-3'
Protein context (NP_000042.3, residues 1093-1113): INRLFQDTKG[Asp1103Gly]SSRLLKALPL